The following is an entry in ClinVar:

ClinVar aggregate classification (germline): Uncertain significance. Review status: criteria provided, multiple submitters, no conflicts (2 of 4 stars). 2 submissions from 2 submitters: Uncertain significance (2). Last evaluated 2025-11-07.

Conditions:
HSPG2-realted disorder.

Allele frequency attached by ClinVar (database versions not stated): gnomAD exomes 0.00002 and 0.00003; gnomAD 0.00001; ExAC 0.00004; 1000 Genomes Project 30x 0.00031; TOPMed 0.00002; 1000 Genomes Project 0.00020.
gnomAD v4.1: 35 of 1,594,320 alleles (0.0022%); highest among the groups gnomAD compares: African/African-American, 0.0053%; no homozygotes.

Submissions (2):

Dasa
Classification: Uncertain significance. Last evaluated: 2025-11-07. Review status: criteria provided, single submitter. Criteria: DASA Assertion Criteria. Collection method: clinical testing. Allele origin: germline.
Comment: NM_005529.7(HSPG2):c.4003G>A (p.Ala1335Thr) is a missense variant that results in the substitution of alanine with threonine. This variant is rare in population databases. Computational prediction algorithms are consistent with a benign effect. The currently available literature and clinical evidence are not sufficient to establish a definitive association between this variant and the reported condition. Therefore, this variant is classified as a variant of uncertain significance.

Daryl Scott Lab, Baylor College of Medicine
Classification: Uncertain significance for HSPG2-realted disorder. Last evaluated: 2022-02-01. Review status: criteria provided, single submitter. Criteria: ACMG Guidelines, 2015. Collection method: clinical testing. Allele origin: unknown. Observed: 1 variant allele, 1 compound heterozygote.

Literature cited by the submitters: PubMed 36474027 (cited by Daryl Scott Lab, Baylor College of Medicine).

NM_005529.7(HSPG2):c.4003G>A (p.Ala1335Thr)

Gene: HSPG2 (heparan sulfate proteoglycan 2; minus strand). Cytogenetic location: 1p36.12.
Variant type: single nucleotide variant.
Coding change: c.4003G>A on transcript NM_005529.7 (MANE Select); coding-DNA position 4003, G replaced by A.
Protein change: p.Ala1335Thr; replaces alanine 1335 with threonine.
Molecular consequence: missense variant.
Genome position (GRCh38, 1-based): chr1:21,872,646, C>T on the plus strand (G>A on the coding strand, the complement: HSPG2 is on the minus strand). VCF-style: chr1-21872646-C-T. GRCh37 (hg19) VCF-style: chr1-22199139-C-T.
Other names: c.4006G>A, p.Ala1336Thr (NM_001291860.2); short protein forms A1335T, A1336T.
Identifiers: ClinVar variation 1684284 (VCV001684284.3), dbSNP rs532799636, ClinGen allele CA672407.